The following is an entry in ClinVar:

NM_001394807.1(ADPRHL1):c.5031G>A (p.Arg1677=)

Gene: ADPRHL1 (ADP-ribosylhydrolase like 1; minus strand). Cytogenetic location: 13q34.
Variant type: single nucleotide variant.
Coding change: c.5031G>A on transcript NM_001394807.1 (MANE Select); coding-DNA position 5031, G replaced by A.
Protein change: p.Arg1677=; no amino-acid change (arginine 1677 retained).
Molecular consequence: synonymous variant.
Genome position (GRCh38, 1-based): chr13:113,404,251, C>T on the plus strand (G>A on the coding strand, the complement: ADPRHL1 is on the minus strand). VCF-style: chr13-113404251-C-T. GRCh37 (hg19) VCF-style: chr13-114058566-C-T.
Other names: c.3939G>A, p.Arg1313= (NM_001304433.1, NM_001375393.1).
Identifiers: ClinVar variation 4280826 (VCV004280826.7).

ClinVar aggregate classification (germline): Likely benign (1 of 4 stars; one submission).

gnomAD v4.1: 2,304 of 1,269,686 alleles (0.18%); highest among the groups gnomAD compares: Admixed American, 0.31%; 5 homozygotes.

Submission:

CeGaT Center for Human Genetics Tuebingen
Classification: Likely benign. Last evaluated: 2026-01-01. Review status: criteria provided, single submitter. Criteria: CeGaT Center For Human Genetics Tuebingen Variant Classification Criteria Version 2. Collection method: clinical testing. Allele origin: germline. Affected: yes. Observed: 2 variant alleles.
Comment: ADPRHL1: BP4, BP7